The following is an entry in ClinVar:

NM_000057.4(BLM):c.539T>C (p.Val180Ala)

Gene: BLM (BLM RecQ like helicase; plus strand). Cytogenetic location: 15q26.1.
Variant type: single nucleotide variant.
Coding change: c.539T>C on transcript NM_000057.4 (MANE Select); coding-DNA position 539, T replaced by C.
Protein change: p.Val180Ala; replaces valine 180 with alanine.
Molecular consequence: missense variant. On other transcripts: 5 prime UTR variant (1).
Genome position (GRCh38, 1-based): chr15:90,749,807, T>C. VCF-style: chr15-90749807-T-C. GRCh37 (hg19) VCF-style: chr15-91293037-T-C.
Other names: c.539T>C, p.Val180Ala (NM_001287246.2, NM_001287247.2); c.-753T>C (NM_001287248.2); short protein forms V180A.
Identifiers: ClinVar variation 4212101 (VCV004212101.1).
Genomic context (GRCh38, chr15:90,749,807, plus strand): 5'-TTGATACTTCTGAGACTTCAAAATCATTTGTTACACCACCCCAAAGTCACTTTGTAAGAG[T>C]AAGCACTGCTCAGAAATCAAAAAAGGGTAAGAGAAACTTTTTTAAAGCACAGCTTTATAC-3'
Protein context (NP_000048.1, residues 170-190): VTPPQSHFVR[Val180Ala]STAQKSKKGK

ClinVar aggregate classification (germline): Uncertain significance (1 of 4 stars; one submission).

Conditions:
Hereditary cancer-predisposing syndrome. Also called: Neoplastic Syndromes, Hereditary; Tumor predisposition; Hereditary Cancer Syndrome; Hereditary neoplastic syndrome. Identifiers: Orphanet 140162, MedGen C0027672, MeSH D009386, MONDO:0015356.

Submission:

Ambry Genetics
Classification: Uncertain significance for Hereditary cancer-predisposing syndrome. Last evaluated: 2025-08-25. Review status: criteria provided, single submitter. Criteria: Ambry Variant Classification Scheme 2023. Collection method: clinical testing. Allele origin: germline.
Comment: The p.V180A variant (also known as c.539T>C), located in coding exon 2 of the BLM gene, results from a T to C substitution at nucleotide position 539. The valine at codon 180 is replaced by alanine, an amino acid with similar properties. This amino acid position is conserved. In addition, this alteration is predicted to be tolerated by in silico analysis. Based on the available evidence, the clinical significance of this variant remains unclear.